The following is an entry in ClinVar:

ClinVar aggregate classification (germline): Benign/Likely benign. Review status: criteria provided, multiple submitters, no conflicts (2 of 4 stars). 14 submissions from 13 submitters: Benign (3); Likely benign (7). 4 of the submissions do not count toward it. Last evaluated 2026-08-01.

Conditions:
Basal cell nevus syndrome 1 (BCNS1). Also called: MULTIPLE BASAL CELL NEVI, ODONTOGENIC KERATOCYSTS, AND SKELETAL ANOMALIES; GORLIN-GOLTZ SYNDROME. Identifiers: MedGen CN376810, MONDO:0958174, OMIM 109400.
Holoprosencephaly 7 (HPE7). Identifiers: Orphanet 2162, MedGen C1835820, MONDO:0012562, OMIM 610828.
Basal cell carcinoma, susceptibility to, 1. Also called: BCC1. Identifiers: MedGen C2751544, MONDO:0011556, OMIM 605462.
Hereditary cancer-predisposing syndrome. Also called: Neoplastic Syndromes, Hereditary; Tumor predisposition; Hereditary neoplastic syndrome; Hereditary Cancer Syndrome. Identifiers: Orphanet 140162, MedGen C0027672, MeSH D009386, MONDO:0015356.
Gorlin syndrome. Also called: Nevoid Basal Cell Carcinoma Syndrome; Basal cell nevus syndrome. Identifiers: Orphanet 377, MedGen C0004779, MONDO:0007187.
PTCH1-related disorder. Also called: PTCH1-related disorders; PTCH1-related condition.

Allele frequency attached by ClinVar (database versions not stated): ExAC 0.00056; gnomAD exomes 0.00058 and 0.00111; TOPMed 0.00058; gnomAD 0.00060 and 0.00065; ESP Exome Variant Server 0.00062.
gnomAD v4.1: 1,684 of 1,614,178 alleles (0.1%); highest among the groups gnomAD compares: Non-Finnish European, 0.14%; 1 homozygote.

Submissions (14):

CeGaT Center for Human Genetics Tuebingen
Classification: Likely benign. Last evaluated: 2026-08-01. Review status: criteria provided, single submitter. Criteria: CeGaT Center For Human Genetics Tuebingen Variant Classification Criteria Version 2. Collection method: clinical testing. Allele origin: germline. Affected: yes. Observed: 8 variant alleles.
Comment: PTCH1: BP4, BP7, BS1

Labcorp Genetics (formerly Invitae), Labcorp
Classification: Benign for Gorlin syndrome. Last evaluated: 2026-02-04. Review status: criteria provided, single submitter. Criteria: Invitae Variant Classification Sherloc (09022015). Collection method: clinical testing. Allele origin: germline.

Center for Genomic Medicine, Rigshospitalet, Copenhagen University Hospital
Classification: Likely benign. Last evaluated: 2025-03-04. Review status: criteria provided, single submitter. Criteria: ACMG Guidelines, 2015. Collection method: clinical testing. Allele origin: germline.

Blueprint Genetics
Classification: Likely benign. Last evaluated: 2024-11-15. Review status: criteria provided, single submitter. Criteria: ACMG Guidelines, 2015. Collection method: clinical testing. Allele origin: germline.

Department of Pathology and Laboratory Medicine, Sinai Health System
Classification: Likely benign for Basal cell nevus syndrome 1; Basal cell carcinoma, susceptibility to, 1; Holoprosencephaly 7. Last evaluated: 2023-12-08. Review status: criteria provided, single submitter. Criteria: ACMG Guidelines, 2015. Collection method: clinical testing. Allele origin: germline. Affected: yes.

Sema4
Classification: Benign for Hereditary cancer-predisposing syndrome. Last evaluated: 2021-08-10. Review status: criteria provided, single submitter. Criteria: Sema4 Curation Guidelines. Collection method: curation. Allele origin: germline.

GeneDx
Classification: Likely benign. Last evaluated: 2020-12-28. Review status: criteria provided, single submitter. Criteria: GeneDx Variant Classification Process June 2021. Collection method: clinical testing. Allele origin: germline. Affected: yes.
Comment: This variant is associated with the following publications: (PMID: 12925203)

Illumina Laboratory Services, Illumina
Classification: Benign for Basal cell nevus syndrome 1. Last evaluated: 2018-01-13. Review status: criteria provided, single submitter. Criteria: ICSL Variant Classification Criteria 13 December 2019. Collection method: clinical testing. Allele origin: germline.
Comment: This variant was observed in the ICSL laboratory as part of a predisposition screen in an ostensibly healthy population. It had not been previously curated by ICSL or reported in the Human Gene Mutation Database (HGMD: prior to June 1st, 2018), and was therefore a candidate for classification through an automated scoring system. Utilizing variant allele frequency, disease prevalence and penetrance estimates, and inheritance mode, an automated score was calculated to assess if this variant is too frequent to cause the disease. Based on the score and internal cut-off values, a variant classified as benign is not then subjected to further curation. The score for this variant resulted in a classification of benign for this disease.

Illumina Laboratory Services, Illumina
Classification: Likely benign for Holoprosencephaly 7. Last evaluated: 2018-01-13. Review status: criteria provided, single submitter. Criteria: ICSL Variant Classification Criteria 13 December 2019. Collection method: clinical testing. Allele origin: germline.
Comment: This variant was observed in the ICSL laboratory as part of a predisposition screen in an ostensibly healthy population. It had not been previously curated by ICSL or reported in the Human Gene Mutation Database (HGMD: prior to June 1st, 2018), and was therefore a candidate for classification through an automated scoring system. Utilizing variant allele frequency, disease prevalence and penetrance estimates, and inheritance mode, an automated score was calculated to assess if this variant is too frequent to cause the disease. Based on the score and internal cut-off values, a variant classified as likely benign is not then subjected to further curation. The score for this variant resulted in a classification of likely benign for this disease.

Ambry Genetics
Classification: Likely benign for Hereditary cancer-predisposing syndrome. Last evaluated: 2016-11-30. Review status: criteria provided, single submitter. Criteria: Ambry Variant Classification Scheme 2023. Collection method: clinical testing. Allele origin: germline.

PreventionGenetics, part of Exact Sciences
Classification: Likely benign for PTCH1-related condition. Last evaluated: 2020-02-12. Review status: no assertion criteria provided. Collection method: clinical testing. Allele origin: germline. Not counted in ClinVar's aggregate classification.
Comment: This variant is classified as likely benign based on ACMG/AMP sequence variant interpretation guidelines (Richards et al. 2015 PMID: 25741868, with internal and published modifications).

Clinical Genetics DNA and cytogenetics Diagnostics Lab, Erasmus MC, Erasmus Medical Center
Classification: Likely benign. Review status: no assertion criteria provided. Collection method: clinical testing. Allele origin: germline. Affected: yes. Study: VKGL Data-share Consensus. Not counted in ClinVar's aggregate classification.

Clinical Genetics Laboratory, Department of Pathology, Netherlands Cancer Institute
Classification: Likely benign. Review status: no assertion criteria provided. Collection method: clinical testing. Allele origin: germline. Affected: yes. Study: VKGL Data-share Consensus. Not counted in ClinVar's aggregate classification.

Genome Diagnostics Laboratory, Amsterdam University Medical Center
Classification: Likely benign. Review status: no assertion criteria provided. Collection method: clinical testing. Allele origin: germline. Affected: yes. Study: VKGL Data-share Consensus. Not counted in ClinVar's aggregate classification.

NM_000264.5(PTCH1):c.2787C>T (p.Asn929=)

Gene: PTCH1 (patched 1; minus strand). Cytogenetic location: 9q22.32.
Variant type: single nucleotide variant.
Coding change: c.2787C>T on transcript NM_000264.5 (MANE Select); coding-DNA position 2787, C replaced by T.
Protein change: p.Asn929=; no amino-acid change (asparagine 929 retained).
Molecular consequence: synonymous variant. On other transcripts: non-coding transcript variant (1).
Genome position (GRCh38, 1-based): chr9:95,459,700, G>A on the plus strand (C>T on the coding strand, the complement: PTCH1 is on the minus strand). VCF-style: chr9-95459700-G-A. GRCh37 (hg19) VCF-style: chr9-98221982-G-A.
Other names: c.2589C>T, p.Asn863= (NM_001083602.3); c.2784C>T, p.Asn928= (NM_001083603.3); c.2334C>T, p.Asn778= (NM_001083604.3, NM_001083605.3, NM_001083606.3 and 1 more transcripts); c.2631C>T, p.Asn877= (NM_001354918.2).
Identifiers: ClinVar variation 135883 (VCV000135883.52), dbSNP rs145196322, ClinGen allele CA332505.